The following is an entry in ClinVar:

ClinVar aggregate classification (germline): Uncertain significance (1 of 4 stars; one submission).

Submission:

Labcorp Genetics (formerly Invitae), Labcorp
Classification: Uncertain significance. Last evaluated: 2023-03-12. Review status: criteria provided, single submitter. Criteria: Invitae Variant Classification Sherloc (09022015). Collection method: clinical testing. Allele origin: germline.
Comment: This sequence change replaces aspartic acid, which is acidic and polar, with tyrosine, which is neutral and polar, at codon 1505 of the LRP2 protein (p.Asp1505Tyr). This variant is not present in population databases (gnomAD no frequency). This variant has not been reported in the literature in individuals affected with LRP2-related conditions. Advanced modeling of protein sequence and biophysical properties (such as structural, functional, and spatial information, amino acid conservation, physicochemical variation, residue mobility, and thermodynamic stability) performed at Invitae indicates that this missense variant is expected to disrupt LRP2 protein function. In summary, the available evidence is currently insufficient to determine the role of this variant in disease. Therefore, it has been classified as a Variant of Uncertain Significance.

NM_004525.3(LRP2):c.4513G>T (p.Asp1505Tyr)

Gene: LRP2 (LDL receptor related protein 2; minus strand). Cytogenetic location: 2q31.1.
Variant type: single nucleotide variant.
Coding change: c.4513G>T on transcript NM_004525.3 (MANE Select); coding-DNA position 4513, G replaced by T.
Protein change: p.Asp1505Tyr; replaces aspartic acid 1505 with tyrosine.
Molecular consequence: missense variant.
Genome position (GRCh38, 1-based): chr2:169,237,281, C>A on the plus strand (G>T on the coding strand, the complement: LRP2 is on the minus strand). VCF-style: chr2-169237281-C-A. GRCh37 (hg19) VCF-style: chr2-170093791-C-A.
Other names: short protein forms D1505Y.
Identifiers: ClinVar variation 2845177 (VCV002845177.3), dbSNP rs1574165265, ClinGen allele CA349143708.
Genomic context (GRCh38, chr2:169,237,281, plus strand): 5'-AGTAAAGATTACGACCTACCCAATCTATTGCAATAGTTTCAGTCAAGATGATGCTACTGT[C>A]AAATACCTAAAGACAAAAGTGAATAAAGAGTGAATTCTAGAGCAAATAAATGAATGCAAA-3'
Protein context (NP_004516.2, residues 1495-1515): QNGTDRRVVF[Asp1505Tyr]SSIILTETIA